The following is an entry in ClinVar:

NM_012470.4(TNPO3):c.541G>A (p.Val181Ile)

Gene: TNPO3 (transportin 3; minus strand). Cytogenetic location: 7q32.1.
Variant type: single nucleotide variant.
Coding change: c.541G>A on transcript NM_012470.4 (MANE Select); coding-DNA position 541, G replaced by A.
Protein change: p.Val181Ile; replaces valine 181 with isoleucine.
Molecular consequence: missense variant. On other transcripts: non-coding transcript variant (18).
Genome position (GRCh38, 1-based): chr7:129,014,990, C>T on the plus strand (G>A on the coding strand, the complement: TNPO3 is on the minus strand). VCF-style: chr7-129014990-C-T. GRCh37 (hg19) VCF-style: chr7-128655044-C-T.
Other names: c.541G>A (NM_012470.3); c.541G>A, p.Val181Ile (NM_001191028.3, NM_001382216.1, NM_001382218.1 and 5 more transcripts); c.622G>A, p.Val208Ile (NM_001382217.1); short protein forms V181I, V208I.
Identifiers: ClinVar variation 3003826 (VCV003003826.4), dbSNP rs544998176, ClinGen allele CA4478380.

ClinVar aggregate classification (germline): Uncertain significance. Review status: criteria provided, multiple submitters, no conflicts (2 of 4 stars). 2 submissions from 2 submitters: Uncertain significance (2). Last evaluated 2025-10-23.

Conditions:
Inborn genetic diseases. Identifiers: MedGen C0950123, MeSH D030342.
Autosomal dominant limb-girdle muscular dystrophy type 1F (LGMDD2). Also called: Limb-girdle muscular dystrophy, type 1F; MUSCULAR DYSTROPHY, LIMB-GIRDLE, AUTOSOMAL DOMINANT 2. Identifiers: Orphanet 55595, MedGen C1842062, MONDO:0012034, OMIM 608423.

Allele frequency attached by ClinVar (database versions not stated): gnomAD 0.00001; ExAC 0.00002; 1000 Genomes Project 0.00020; 1000 Genomes Project 30x 0.00031.
gnomAD v4.1: 2 of 1,601,974 alleles (0.00012%); highest among the groups gnomAD compares: South Asian, 0.0011%; no homozygotes.

Submissions (2):

Ambry Genetics
Classification: Uncertain significance for Inborn genetic diseases. Last evaluated: 2025-10-23. Review status: criteria provided, single submitter. Criteria: Ambry Variant Classification Scheme 2023. Collection method: clinical testing. Allele origin: germline.

Labcorp Genetics (formerly Invitae), Labcorp
Classification: Uncertain significance for Autosomal dominant limb-girdle muscular dystrophy type 1F. Last evaluated: 2023-03-14. Review status: criteria provided, single submitter. Criteria: Invitae Variant Classification Sherloc (09022015). Collection method: clinical testing. Allele origin: germline.
Comment: This variant is present in population databases (rs544998176, gnomAD 0.004%). This variant has not been reported in the literature in individuals affected with TNPO3-related conditions. Advanced modeling of protein sequence and biophysical properties (such as structural, functional, and spatial information, amino acid conservation, physicochemical variation, residue mobility, and thermodynamic stability) performed at Invitae indicates that this missense variant is not expected to disrupt TNPO3 protein function. In summary, the available evidence is currently insufficient to determine the role of this variant in disease. Therefore, it has been classified as a Variant of Uncertain Significance. This sequence change replaces valine, which is neutral and non-polar, with isoleucine, which is neutral and non-polar, at codon 181 of the TNPO3 protein (p.Val181Ile).